The following is an entry in ClinVar:

NM_001267550.2(TTN):c.85180dup (p.Asp28394fs)

Genes: TTN-AS1 (TTN antisense RNA 1; plus strand), TTN (titin; minus strand). Cytogenetic location: 2q31.2.
Variant type: Duplication.
Coding change: c.85180dup on transcript NM_001267550.2 (MANE Select); coding-DNA position 85180, one base duplicated (G; older notation c.85180dupG).
Protein change: p.Asp28394fs; shifts the reading frame from aspartic acid 28394.
Molecular consequence: frameshift variant.
Genome position (GRCh38, 1-based): chr2:178,560,952, C duplicated on the plus strand (G on the coding strand, the reverse complement: TTN is on the minus strand); the first of 2 consecutive C bases (chr2:178,560,952-178,560,953); duplicating either gives the same sequence. VCF-style (leftmost placement, unchanged base first): chr2-178560951-T-TC. GRCh37 (hg19) VCF-style: chr2-179425678-T-TC.
Other names: c.80257dup, p.Asp26753fs (NM_001256850.1); c.57985dup, p.Asp19329fs (NM_003319.4); c.77476dup, p.Asp25826fs (NM_133378.4); c.58360dup, p.Asp19454fs (NM_133432.3); c.58561dup, p.Asp19521fs (NM_133437.4); short protein forms D19329fs, D26753fs, D19454fs, D28394fs, D19521fs, D25826fs.
Identifiers: ClinVar variation 2945491 (VCV002945491.3), dbSNP rs2469676829, ClinGen allele CA2740095904.
Genomic context (GRCh38, chr2:178,560,951, plus strand): 5'-AAAGTATGATTGTCTGTTGAGATGATTTCTGTTCTTGCTCTTTCTTCAATTTCTATACCA[T>TC]CCTTGGCCCAGGAAATTACTGGCAGAGGTCGCCCTGCAATGTCTGCATTTATCTTAAGGA-3'

ClinVar aggregate classification (germline): Likely pathogenic (1 of 4 stars; one submission).

Conditions:
Dilated cardiomyopathy 1G (CMD1G). Identifiers: Orphanet 154, MedGen C1858763, MONDO:0011400, OMIM 604145.
Autosomal recessive limb-girdle muscular dystrophy type 2J (LGMDR10). Also called: Limb-girdle muscular dystrophy, type 2J; MUSCULAR DYSTROPHY, LIMB-GIRDLE, AUTOSOMAL RECESSIVE 10. Identifiers: Orphanet 140922, MedGen C1837342, MONDO:0012127, OMIM 608807.

Submission:

Labcorp Genetics (formerly Invitae), Labcorp
Classification: Likely pathogenic for Dilated cardiomyopathy 1G; Autosomal recessive limb-girdle muscular dystrophy type 2J. Last evaluated: 2023-03-19. Review status: criteria provided, single submitter. Criteria: Invitae Variant Classification Sherloc (09022015). Collection method: clinical testing. Allele origin: germline.
Comment: In summary, the currently available evidence indicates that the variant is pathogenic, but additional data are needed to prove that conclusively. Therefore, this variant has been classified as Likely Pathogenic. This variant is located in the A band of TTN (PMID: 25589632). Truncating variants in this region are significantly overrepresented in patients affected with dilated cardiomyopathy (PMID: 25589632). Truncating variants in this region have also been reported in individuals affected with autosomal recessive centronuclear myopathy (PMID: 23975875). This variant has not been reported in the literature in individuals affected with TTN-related conditions. This variant is not present in population databases (gnomAD no frequency). This sequence change creates a premature translational stop signal (p.Asp28394Glyfs*6) in the TTN gene. While this is not anticipated to result in nonsense mediated decay, it is expected to create a truncated TTN protein.

Literature cited by the submitters: PubMed 25589632; PubMed 23975875.